The following is an entry in ClinVar:

NM_001010867.4(IBA57):c.201G>C (p.Ala67=)

Gene: IBA57 (iron-sulfur cluster assembly factor IBA57; plus strand). Cytogenetic location: 1q42.13.
Variant type: single nucleotide variant.
Coding change: c.201G>C on transcript NM_001010867.4 (MANE Select); coding-DNA position 201, G replaced by C.
Protein change: p.Ala67=; no amino-acid change (alanine 67 retained).
Molecular consequence: synonymous variant.
Genome position (GRCh38, 1-based): chr1:228,166,017, G>C. VCF-style: chr1-228166017-G-C. GRCh37 (hg19) VCF-style: chr1-228353718-G-C.
Identifiers: ClinVar variation 3051895 (VCV003051895.3), dbSNP rs934566495, ClinGen allele CA38736555.

ClinVar aggregate classification (germline): Likely benign. Review status: criteria provided, single submitter (1 of 4 stars). 2 submissions from 2 submitters: Likely benign (1). 1 of the submissions does not count toward it. Last evaluated 2024-05-16.

Conditions:
IBA57-related disorder. Also called: IBA57-related condition.

Allele frequency attached by ClinVar (database versions not stated): TOPMed 0.00004.

Submissions (2):

Blueprint Genetics
Classification: Likely benign. Last evaluated: 2024-05-16. Review status: criteria provided, single submitter. Criteria: ACMG Guidelines, 2015. Collection method: clinical testing. Allele origin: germline.

PreventionGenetics, part of Exact Sciences
Classification: Likely benign for IBA57-related condition. Last evaluated: 2020-01-07. Review status: no assertion criteria provided. Collection method: clinical testing. Allele origin: germline. Not counted in ClinVar's aggregate classification.
Comment: This variant is classified as likely benign based on ACMG/AMP sequence variant interpretation guidelines (Richards et al. 2015 PMID: 25741868, with internal and published modifications).